The following is an entry in ClinVar:

NC_000010.10:g.(?_94353133)_(94353229_?)del

Gene: KIF11 (kinesin family member 11; plus strand). Cytogenetic location: 10q23.33.
Variant type: Deletion.
Identifiers: ClinVar variation 2425138 (VCV002425138.2).

ClinVar aggregate classification (germline): Pathogenic (1 of 4 stars; one submission).

Submission:

Labcorp Genetics (formerly Invitae), Labcorp
Classification: Pathogenic. Last evaluated: 2023-03-04. Review status: criteria provided, single submitter. Criteria: Invitae Variant Classification Sherloc (09022015). Collection method: clinical testing. Allele origin: germline.
Comment: For these reasons, this variant has been classified as Pathogenic. A similar copy number variant has been observed in individual(s) with familial exudative vitreoretinopathy (PMID: 31077665, 34128965). This variant is a gross deletion of the genomic region encompassing exon(s) 1 of the KIF11 gene, which includes the initiator codon. This deletion extends beyond the assayed region for this gene and therefore may encompass additional genes. It is expected to result in an absent or disrupted protein product. Loss-of-function variants in KIF11 are known to be pathogenic (PMID: 22284827, 24281367).

Literature cited by the submitters: PubMed 31077665; PubMed 34128965; PubMed 22284827; PubMed 24281367.